The following is an entry in ClinVar:

NM_002267.4(KPNA3):c.926G>A (p.Gly309Asp)

Gene: KPNA3 (karyopherin subunit alpha 3; minus strand). Cytogenetic location: 13q14.2.
Variant type: single nucleotide variant.
Coding change: c.926G>A on transcript NM_002267.4 (MANE Select); coding-DNA position 926, G replaced by A.
Protein change: p.Gly309Asp; replaces glycine 309 with aspartic acid.
Molecular consequence: missense variant.
Genome position (GRCh38, 1-based): chr13:49,709,678, C>T on the plus strand (G>A on the coding strand, the complement: KPNA3 is on the minus strand). VCF-style: chr13-49709678-C-T. GRCh37 (hg19) VCF-style: chr13-50283814-C-T.
Other names: short protein forms G309D.
Identifiers: ClinVar variation 3289238 (VCV003289238.3).

ClinVar aggregate classification (germline): Uncertain significance. Review status: criteria provided, multiple submitters, no conflicts (2 of 4 stars). 2 submissions from 2 submitters: Uncertain significance (2). Last evaluated 2026-08-26.

Conditions:
Inborn genetic diseases. Identifiers: MedGen C0950123, MeSH D030342.

Submissions (2):

GeneDx
Classification: Uncertain significance. Last evaluated: 2026-08-26. Review status: criteria provided, single submitter. Criteria: GeneDx Variant Classification Process June 2021. Collection method: clinical testing. Allele origin: germline.
Comment: Not observed at significant frequency in large population cohorts (gnomAD); In silico analysis supports that this missense variant has a deleterious effect on protein structure/function; Has not been previously published as pathogenic or benign to our knowledge

Ambry Genetics
Classification: Uncertain significance for Inborn genetic diseases. Last evaluated: 2024-05-28. Review status: criteria provided, single submitter. Criteria: Ambry Variant Classification Scheme 2023. Collection method: clinical testing. Allele origin: germline.
Comment: The c.926G>A (p.G309D) alteration is located in exon 12 (coding exon 12) of the KPNA3 gene. This alteration results from a G to A substitution at nucleotide position 926, causing the glycine (G) at amino acid position 309 to be replaced by an aspartic acid (D). This variant was not reported in population-based cohorts in the Genome Aggregation Database (gnomAD). This amino acid position is highly conserved in available vertebrate species. This alteration is predicted to be deleterious by in silico analysis. Based on insufficient or conflicting evidence, the clinical significance of this alteration remains unclear.